The following is an entry in ClinVar:

NM_001351307.2(DUXB):c.287-4T>C

Gene: DUXB (double homeobox B; minus strand). Cytogenetic location: 16q23.1.
Variant type: single nucleotide variant.
Coding change: c.287-4T>C on transcript NM_001351307.2 (MANE Select); 4 bases into the intron before coding-DNA position 287, T replaced by C.
Molecular consequence: intron variant.
Genome position (GRCh38, 1-based): chr16:75,696,119, A>G on the plus strand (T>C on the coding strand, the complement: DUXB is on the minus strand). VCF-style: chr16-75696119-A-G. GRCh37 (hg19) VCF-style: chr16-75730017-A-G.
Other names: c.26-4T>C (NM_001351308.2); c.-155-4T>C (NM_001351309.2).
Identifiers: ClinVar variation 4084001 (VCV004084001.8).

ClinVar aggregate classification (germline): Benign (1 of 4 stars; one submission).

gnomAD v4.1: 812 of 691,510 alleles (0.12%); highest among the groups gnomAD compares: African/African-American, 1.3%; 6 homozygotes.

Submission:

CeGaT Center for Human Genetics Tuebingen
Classification: Benign. Last evaluated: 2025-08-01. Review status: criteria provided, single submitter. Criteria: CeGaT Center For Human Genetics Tuebingen Variant Classification Criteria Version 2. Collection method: clinical testing. Allele origin: germline. Affected: yes. Observed: 1 variant allele.
Comment: DUXB: BS1, BS2